The following is an entry in ClinVar:

NM_002484.4(NUBP1):c.303G>A (p.Lys101=)

Gene: NUBP1 (NUBP iron-sulfur cluster assembly factor 1, cytosolic; plus strand). Cytogenetic location: 16p13.13.
Variant type: single nucleotide variant.
Coding change: c.303G>A on transcript NM_002484.4 (MANE Select); coding-DNA position 303, G replaced by A.
Protein change: p.Lys101=; no amino-acid change (lysine 101 retained).
Molecular consequence: synonymous variant. On other transcripts: intron variant (1).
Genome position (GRCh38, 1-based): chr16:10,752,654, G>A. VCF-style: chr16-10752654-G-A. GRCh37 (hg19) VCF-style: chr16-10846511-G-A.
Other names: c.303G>A, p.Lys101= (NM_001278506.2, NM_001323595.2, NM_001323596.2); c.156G>A, p.Lys52= (NM_001323597.1); c.259-3067G>A (NM_001323594.2).
Identifiers: ClinVar variation 2646203 (VCV002646203.24), dbSNP rs2233535, ClinGen allele CA7898809.
Genomic context (GRCh38, chr16:10,752,654, plus strand): 5'-CTCTTCTTGTCCCCAGATTGCTCTTCTAGACATCGATATATGTGGGCCATCGATTCCCAA[G>A]ATAATGGGATTGGAAGGAGAGCAGGTAATAGCCGGTTACAGAACTCAGGAAATTATTCTC-3'
Protein context (NP_002475.2, residues 91-111): DIDICGPSIP[Lys101=]IMGLEGEQVH

ClinVar aggregate classification (germline): Likely benign (1 of 4 stars; one submission).

Allele frequency attached by ClinVar (database versions not stated): 1000 Genomes Project 0.00120; 1000 Genomes Project 30x 0.00125; ExAC 0.00352; ESP Exome Variant Server 0.00362.
gnomAD v4.1: 7,870 of 1,613,810 alleles (0.49%); highest among the groups gnomAD compares: Non-Finnish European, 0.61%; 29 homozygotes.

Submission:

CeGaT Center for Human Genetics Tuebingen
Classification: Likely benign. Last evaluated: 2023-01-01. Review status: criteria provided, single submitter. Criteria: CeGaT Center For Human Genetics Tuebingen Variant Classification Criteria Version 2. Collection method: clinical testing. Allele origin: germline. Affected: yes. Observed: 1 variant allele.
Comment: NUBP1: BP4, BP7